The following is an entry in ClinVar:

ClinVar aggregate classification (germline): Uncertain significance (1 of 4 stars; one submission).

Submission:

Labcorp Genetics (formerly Invitae), Labcorp
Classification: Uncertain significance. Last evaluated: 2024-05-29. Review status: criteria provided, single submitter. Criteria: Invitae Variant Classification Sherloc (09022015). Collection method: clinical testing. Allele origin: germline.
Comment: This sequence change falls in intron 4 of the RPSA gene. It does not directly change the encoded amino acid sequence of the RPSA protein. It affects a nucleotide within the consensus splice site. This variant is not present in population databases (gnomAD no frequency). This variant has not been reported in the literature in individuals affected with RPSA-related conditions. Variants that disrupt the consensus splice site are a relatively common cause of aberrant splicing (PMID: 17576681, 9536098). Algorithms developed to predict the effect of sequence changes on RNA splicing suggest that this variant is not likely to affect RNA splicing. In summary, the available evidence is currently insufficient to determine the role of this variant in disease. Therefore, it has been classified as a Variant of Uncertain Significance.

Literature cited by the submitters: PubMed 17576681; PubMed 9536098.

NM_002295.6(RPSA):c.498+6G>T

Gene: RPSA (ribosomal protein SA; plus strand). Cytogenetic location: 3p22.1.
Variant type: single nucleotide variant.
Coding change: c.498+6G>T on transcript NM_002295.6 (MANE Select); 6 bases into the intron after coding-DNA position 498, G replaced by T.
Molecular consequence: intron variant.
Genome position (GRCh38, 1-based): chr3:39,411,005, G>T. VCF-style: chr3-39411005-G-T. GRCh37 (hg19) VCF-style: chr3-39452496-G-T.
Other names: c.513+6G>T (NM_001304288.2).
Identifiers: ClinVar variation 3679329 (VCV003679329.2).